The following is an entry in ClinVar:

NC_000016.9:g.(?_8895636)_(8941682_?)del

Gene: PMM2 (phosphomannomutase 2; plus strand). Cytogenetic location: 16p13.2.
Variant type: Deletion.
Identifiers: ClinVar variation 3243363 (VCV003243363.1).

ClinVar aggregate classification (germline): Pathogenic (1 of 4 stars; one submission).

Conditions:
PMM2-congenital disorder of glycosylation. Also called: CDG Ia; JAEKEN SYNDROME; PHOSPHOMANNOMUTASE 2 DEFICIENCY; CARBOHYDRATE-DEFICIENT GLYCOPROTEIN SYNDROME, TYPE Ia; Congenital disorder of glycosylation, type Ia; PMM2-CDG. Identifiers: Orphanet 79318, MedGen C0349653, MONDO:0008907, OMIM 212065.

Submission:

Labcorp Genetics (formerly Invitae), Labcorp
Classification: Pathogenic for PMM2-congenital disorder of glycosylation. Last evaluated: 2023-05-19. Review status: criteria provided, single submitter. Criteria: Invitae Variant Classification Sherloc (09022015). Collection method: clinical testing. Allele origin: unknown.
Comment: For these reasons, this variant has been classified as Pathogenic. This variant disrupts a region of the PMM2 protein in which other variant(s) (p.Cys241Ser) have been determined to be pathogenic (PMID: 11156536, 11715002, 15844218, 21541725, 22012410, 25355454, 26014514). This suggests that this is a clinically significant region of the protein, and that variants that disrupt it are likely to be disease-causing. This variant has not been reported in the literature in individuals affected with PMM2-related conditions. This variant is a gross deletion of the genomic region encompassing exon(s) 2-8 of the PMM2 gene, which includes the termination codon. This deletion extends beyond the assayed region for this gene and therefore may encompass additional genes. While this deletion is not anticipated to lead to nonsense mediated decay, it is expected to alter mRNA translation or result in a truncated protein product.

Literature cited by the submitters: PubMed 11156536; PubMed 11715002; PubMed 15844218; PubMed 21541725; PubMed 22012410; PubMed 25355454; PubMed 26014514.